The following is an entry in ClinVar:

NM_001365999.1(SZT2):c.8840G>A (p.Arg2947Gln)

Gene: SZT2 (SZT2 subunit of KICSTOR complex; plus strand). Cytogenetic location: 1p34.2.
Variant type: single nucleotide variant.
Coding change: c.8840G>A on transcript NM_001365999.1 (MANE Select); coding-DNA position 8840, G replaced by A.
Protein change: p.Arg2947Gln; replaces arginine 2947 with glutamine.
Molecular consequence: missense variant.
Genome position (GRCh38, 1-based): chr1:43,445,908, G>A. VCF-style: chr1-43445908-G-A. GRCh37 (hg19) VCF-style: chr1-43911579-G-A.
Other names: c.8669G>A, p.Arg2890Gln (NM_015284.4); short protein forms R2947Q, R2890Q.
Identifiers: ClinVar variation 967502 (VCV000967502.11), dbSNP rs147484328, ClinGen allele CA810719.

ClinVar aggregate classification (germline): Uncertain significance. Review status: criteria provided, multiple submitters, no conflicts (2 of 4 stars). 6 submissions from 6 submitters: Uncertain significance (6). Last evaluated 2025-12-04.

Conditions:
Inborn genetic diseases. Identifiers: MedGen C0950123, MeSH D030342.
Developmental and epileptic encephalopathy, 18 (DEE18). Also called: Early infantile epileptic encephalopathy 18. Identifiers: Orphanet 369894, MedGen C3809624, MONDO:0014201, OMIM 615476.

Allele frequency attached by ClinVar (database versions not stated): gnomAD exomes 0.00002 and 0.00001; ESP Exome Variant Server 0.00015; gnomAD 0.00004 and 0.00005; TOPMed 0.00006; ExAC 0.00004.
gnomAD v4.1: 28 of 1,614,050 alleles (0.0017%); highest among the groups gnomAD compares: South Asian, 0.0077%; no homozygotes.

Submissions (6):

GeneDx
Classification: Uncertain significance. Last evaluated: 2025-12-04. Review status: criteria provided, single submitter. Criteria: GeneDx Variant Classification Process June 2021. Collection method: clinical testing. Allele origin: germline. Affected: yes.
Comment: In silico analysis suggests that this missense variant does not alter protein structure/function; Has not been previously published as pathogenic or benign to our knowledge

Ambry Genetics
Classification: Uncertain significance for Inborn genetic diseases. Last evaluated: 2025-08-30. Review status: criteria provided, single submitter. Criteria: Ambry Variant Classification Scheme 2023. Collection method: clinical testing. Allele origin: germline.

Blueprint Genetics
Classification: Uncertain significance. Last evaluated: 2023-04-27. Review status: criteria provided, single submitter. Criteria: ACMG Guidelines, 2015. Collection method: clinical testing. Allele origin: germline.

Genome-Nilou Lab
Classification: Uncertain significance for Developmental and epileptic encephalopathy, 18. Last evaluated: 2023-04-11. Review status: criteria provided, single submitter. Criteria: ACMG Guidelines, 2015. Collection method: clinical testing. Allele origin: germline. Affected: no.

Labcorp Genetics (formerly Invitae), Labcorp
Classification: Uncertain significance. Last evaluated: 2022-07-19. Review status: criteria provided, single submitter. Criteria: Invitae Variant Classification Sherloc (09022015). Collection method: clinical testing. Allele origin: germline.
Comment: This sequence change replaces arginine, which is basic and polar, with glutamine, which is neutral and polar, at codon 2890 of the SZT2 protein (p.Arg2890Gln). This variant is present in population databases (rs147484328, gnomAD 0.03%). This variant has not been reported in the literature in individuals affected with SZT2-related conditions. ClinVar contains an entry for this variant (Variation ID: 967502). Algorithms developed to predict the effect of missense changes on protein structure and function (SIFT, PolyPhen-2, Align-GVGD) all suggest that this variant is likely to be disruptive. In summary, the available evidence is currently insufficient to determine the role of this variant in disease. Therefore, it has been classified as a Variant of Uncertain Significance.

Neuberg Centre For Genomic Medicine, NCGM
Classification: Uncertain significance for Developmental and epileptic encephalopathy, 18. Review status: criteria provided, single submitter. Criteria: ACMG Guidelines, 2015. Collection method: clinical testing. Allele origin: germline. Inheritance: Autosomal recessive inheritance. Affected: yes.
Comment: The missense variant c.8840G>A (p.Arg2947Gln) in SZT2 gene has not been reported previously as a pathogenic variant nor as a benign variant, to our knowledge. The p.Arg2947Gln variant has allele frequency 0.0024% in gnomAD Exomes and 1000 Genomes. It has been submitted to ClinVar as Uncertain Significance. The amino acid Arg at position 2947 is changed to a Gln changing protein sequence and it might alter its composition and physico-chemical properties. The amino acid change p.Arg2947Gln in SZT2 is predicted as conserved by GERP++ and PhyloP across 100 vertebrates. For these reasons, this variant has been classified as Uncertain Significance (VUS).